The following is an entry in ClinVar:

ClinVar aggregate classification (germline): Pathogenic (1 of 4 stars; one submission).

Submission:

GeneDx
Classification: Pathogenic. Last evaluated: 2017-01-10. Review status: criteria provided, single submitter. Criteria: GeneDx Variant Classification (06012015). Collection method: clinical testing. Allele origin: germline. Affected: yes.
Comment: The c.1355_1356delTG variant in the ADAMTSL4 gene has not been reported previously as a pathogenic variant nor as a benign variant, to our knowledge. This variant causes a frameshift starting with codon Valine 452, changes this amino acid to a Glycine residue, and creates a premature Stop codon at position 10 of the new reading frame, denoted p.Val452GlyfsX10. This variant is predicted to cause loss of normal protein function either through protein truncation or nonsense-mediated mRNA decay. The c.1355_1356delTG variant was not observed in approximately 6500 individuals of European and African American ancestry in the NHLBI Exome Sequencing Project, indicating it is not a common benign variant in these populations. We interpret c.1355_1356delTG as a pathogenic variant.

NM_019032.6(ADAMTSL4):c.1355_1356del (p.Val452fs)

Genes: ADAMTSL4 (ADAMTS like 4; plus strand), ADAMTSL4-AS2 (ADAMTSL4 antisense RNA 2; minus strand). Cytogenetic location: 1q21.2.
Variant type: Microsatellite.
Coding change: c.1355_1356del on transcript NM_019032.6 (MANE Select); coding-DNA positions 1355 to 1356, 2 bases deleted (TG; older notation c.1355_1356delTG).
Protein change: p.Val452fs; shifts the reading frame from valine 452.
Molecular consequence: frameshift variant.
Genome position (GRCh38, 1-based): chr1:150,555,549-150,555,550, TG deleted; deleting any 2 consecutive bases within chr1:150,555,545-150,555,550 gives the same sequence; the c. name uses the placement nearest the transcript's 3' end. VCF-style (leftmost placement, unchanged base first): chr1-150555544-CTG-C. GRCh37 (hg19) VCF-style: chr1-150528020-CTG-C.
Other names: c.1424_1425del, p.Val475fs (NM_001288607.2, NM_001288608.2); c.1355_1356del, p.Val452fs (NM_001378596.1, NM_025008.5); c.1355_1356delTG (NM_019032.5); short protein forms V452fs, V475fs.
Identifiers: ClinVar variation 422966 (VCV000422966.2), dbSNP rs761261211, ClinGen allele CA1078228.